The following is an entry in ClinVar:

NM_000088.4(COL1A1):c.668C>G (p.Pro223Arg)

Gene: COL1A1 (collagen type I alpha 1 chain; minus strand). Cytogenetic location: 17q21.33.
Variant type: single nucleotide variant.
Coding change: c.668C>G on transcript NM_000088.4 (MANE Select); coding-DNA position 668, C replaced by G.
Protein change: p.Pro223Arg; replaces proline 223 with arginine.
Molecular consequence: missense variant.
Genome position (GRCh38, 1-based): chr17:50,197,760, G>C on the plus strand (C>G on the coding strand, the complement: COL1A1 is on the minus strand). VCF-style: chr17-50197760-G-C. GRCh37 (hg19) VCF-style: chr17-48275121-G-C.
Other names: short protein forms P223R.
Identifiers: ClinVar variation 1524297 (VCV001524297.6), dbSNP rs2144585941, ClinGen allele CA400224689.

ClinVar aggregate classification (germline): Uncertain significance (1 of 4 stars; one submission).

Conditions:
Osteogenesis imperfecta type I (OI1). Also called: Classic Non-deforming Osteogenesis Imperfecta with Blue Sclerae; OI, TYPE I; OSTEOGENESIS IMPERFECTA TARDA; OSTEOGENESIS IMPERFECTA WITH BLUE SCLERAE; Osteogenesis imperfecta type 1; Lobstein disease. Identifiers: Orphanet 216796, Orphanet 666, MedGen C0023931, MONDO:0008146, OMIM 166200. Disease mechanism: loss of function.

Submission:

Labcorp Genetics (formerly Invitae), Labcorp
Classification: Uncertain significance for Osteogenesis imperfecta type I. Last evaluated: 2021-12-13. Review status: criteria provided, single submitter. Criteria: Invitae Variant Classification Sherloc (09022015). Collection method: clinical testing. Allele origin: germline.
Comment: In summary, the available evidence is currently insufficient to determine the role of this variant in disease. Therefore, it has been classified as a Variant of Uncertain Significance. Advanced modeling of protein sequence and biophysical properties (such as structural, functional, and spatial information, amino acid conservation, physicochemical variation, residue mobility, and thermodynamic stability) performed at Invitae indicates that this missense variant is not expected to disrupt COL1A1 protein function. This variant has not been reported in the literature in individuals affected with COL1A1-related conditions. This variant is not present in population databases (gnomAD no frequency). This sequence change replaces proline, which is neutral and non-polar, with arginine, which is basic and polar, at codon 223 of the COL1A1 protein (p.Pro223Arg).